The following is an entry in ClinVar:

NM_144628.4(TBC1D20):c.337+88G>T

Gene: TBC1D20 (TBC1 domain family member 20; minus strand). Cytogenetic location: 20p13.
Variant type: single nucleotide variant.
Coding change: c.337+88G>T on transcript NM_144628.4 (MANE Select); 88 bases into the intron after coding-DNA position 337, G replaced by T.
Molecular consequence: intron variant.
Genome position (GRCh38, 1-based): chr20:444,962, C>A on the plus strand (G>T on the coding strand, the complement: TBC1D20 is on the minus strand). VCF-style: chr20-444962-C-A. GRCh37 (hg19) VCF-style: chr20-425606-C-A.
Identifiers: ClinVar variation 670225 (VCV000670225.5), dbSNP rs2273465, ClinGen allele CA14766512.

ClinVar aggregate classification (germline): Benign. Review status: criteria provided, multiple submitters, no conflicts (2 of 4 stars). 3 submissions from 3 submitters: Benign (3). Last evaluated 2021-07-14.

Conditions:
Warburg micro syndrome 4 (WARBM4). Identifiers: Orphanet 2510, MedGen C3810265, MONDO:0014296, OMIM 615663.

Allele frequency attached by ClinVar (database versions not stated): 1000 Genomes Project 0.40335; 1000 Genomes Project 30x 0.40771; TOPMed 0.42907; gnomAD 0.43487 and 0.43662.
gnomAD v4.1: 497,739 of 1,175,666 alleles (42%); highest among the groups gnomAD compares: Middle Eastern, 49%; 108,283 homozygotes.

Submissions (3):

Genome-Nilou Lab
Classification: Benign for Warburg micro syndrome 4. Last evaluated: 2021-07-14. Review status: criteria provided, single submitter. Criteria: ACMG Guidelines, 2015. Collection method: clinical testing. Allele origin: germline. Affected: no.

GeneDx
Classification: Benign. Last evaluated: 2018-06-19. Review status: criteria provided, single submitter. Criteria: GeneDx Variant Classification (06012015). Collection method: clinical testing. Allele origin: germline. Affected: yes.
Comment: This variant is considered likely benign or benign based on one or more of the following criteria: it is a conservative change, it occurs at a poorly conserved position in the protein, it is predicted to be benign by multiple in silico algorithms, and/or has population frequency not consistent with disease.

Breakthrough Genomics
Classification: Benign. Review status: criteria provided, single submitter. Criteria: ACMG Guidelines, 2015. Collection method: not provided. Allele origin: germline. Inheritance: Autosomal recessive inheritance. Affected: yes.